The following is an entry in ClinVar:

ClinVar aggregate classification (germline): Uncertain significance (1 of 4 stars; one submission).

Allele frequency attached by ClinVar (database versions not stated): gnomAD exomes below 0.00001; gnomAD 0.00001; TOPMed 0.00001.

Submission:

GeneDx
Classification: Uncertain significance. Last evaluated: 2016-12-08. Review status: criteria provided, single submitter. Criteria: GeneDx Variant Classification (06012015). Collection method: clinical testing. Allele origin: germline. Affected: yes.
Comment: The A360V variant in the FLT4 gene has not been reported previously as a pathogenic variant, nor as a benign variant, to our knowledge. The A360V variant was not observed in approximately 6500 individuals of European and African American ancestry in the NHLBI Exome Sequencing Project, indicating it is not a common benign variant in these populations. This substitution occurs at a position that is conserved across species. In silico analysis predicts this variant is probably damaging to the protein structure/function. However, the A360V variant is a conservative amino acid substitution, which is not likely to impact secondary protein structure as these residues share similar properties. Therefore, we interpret A360V as a variant of uncertain significance.

NM_182925.5(FLT4):c.1079C>T (p.Ala360Val)

Gene: FLT4 (fms related receptor tyrosine kinase 4; minus strand). Cytogenetic location: 5q35.3.
Variant type: single nucleotide variant.
Coding change: c.1079C>T on transcript NM_182925.5 (MANE Select); coding-DNA position 1079, C replaced by T.
Protein change: p.Ala360Val; replaces alanine 360 with valine.
Molecular consequence: missense variant.
Genome position (GRCh38, 1-based): chr5:180,628,906, G>A on the plus strand (C>T on the coding strand, the complement: FLT4 is on the minus strand). VCF-style: chr5-180628906-G-A. GRCh37 (hg19) VCF-style: chr5-180055906-G-A.
Other names: c.1079C>T, p.Ala360Val (NM_001354989.2, NM_002020.5); short protein forms A360V.
Identifiers: ClinVar variation 373341 (VCV000373341.1), dbSNP rs1057518359, ClinGen allele CA16042524.